The following is an entry in ClinVar:

ClinVar aggregate classification (germline): Uncertain significance (1 of 4 stars; one submission).

Conditions:
TTN-related disorder. Also called: TTN-related disorders; TTN-related condition; TTN-related disease.

gnomAD v4.1: 11 of 1,613,452 alleles (0.00068%); highest among the groups gnomAD compares: Admixed American, 0.013%; no homozygotes.

Submission:

PreventionGenetics, part of Exact Sciences
Classification: Uncertain significance for TTN-related condition. Last evaluated: 2026-03-03. Review status: criteria provided, single submitter. Criteria: ACMG Guidelines, 2015. Collection method: clinical testing. Allele origin: germline.
Comment: The TTN c.75485G>C variant is predicted to result in the amino acid substitution p.Ser25162Thr. To our knowledge, this variant has not been reported in the literature. This variant is reported in 0.0058% of alleles in individuals of Latino descent in gnomAD. At this time, the clinical significance of this variant is uncertain due to the absence of conclusive functional and genetic evidence.

NM_001267550.2(TTN):c.75485G>C (p.Ser25162Thr)

Genes: TTN (titin; minus strand), TTN-AS1 (TTN antisense RNA 1; plus strand). Cytogenetic location: 2q31.2.
Variant type: single nucleotide variant.
Coding change: c.75485G>C on transcript NM_001267550.2 (MANE Select); coding-DNA position 75485, G replaced by C.
Protein change: p.Ser25162Thr; replaces serine 25162 with threonine.
Molecular consequence: missense variant.
Genome position (GRCh38, 1-based): chr2:178,570,647, C>G on the plus strand (G>C on the coding strand, the complement: TTN is on the minus strand). VCF-style: chr2-178570647-C-G. GRCh37 (hg19) VCF-style: chr2-179435374-C-G.
Other names: c.70562G>C, p.Ser23521Thr (NM_001256850.1); c.48290G>C, p.Ser16097Thr (NM_003319.4); c.67781G>C, p.Ser22594Thr (NM_133378.4); c.48665G>C, p.Ser16222Thr (NM_133432.3); c.48866G>C, p.Ser16289Thr (NM_133437.4); short protein forms S16289T, S23521T, S25162T, S16097T, S16222T, S22594T.
Identifiers: ClinVar variation 4981270 (VCV004981270.1).
Genomic context (GRCh38, chr2:178,570,647, plus strand): 5'-TAATTTCCACTGTCGACACGTACTGCATCTTTTACACTGAGACTGGTGGCAAAGTCGGTG[C>G]TCTTTATTTCTAATCGAGCTGTGTTTGAAAGCTCCTGATCACCTTTTATCCACTGAATGG-3'
Protein context (NP_001254479.2, residues 25152-25172): LSNTARLEIK[Ser25162Thr]TDFATSLSVK